The following is an entry in ClinVar:

NM_021147.5(CCNO):c.323del (p.Phe108fs)

Gene: CCNO (cyclin O; minus strand). Cytogenetic location: 5q11.2.
Variant type: Deletion.
Coding change: c.323del on transcript NM_021147.5 (MANE Select); coding-DNA position 323, one base deleted (T; older notation c.323delT).
Protein change: p.Phe108fs; shifts the reading frame from phenylalanine 108.
Molecular consequence: frameshift variant. On other transcripts: non-coding transcript variant (2).
Genome position (GRCh38, 1-based): chr5:55,233,201, A deleted on the plus strand (T on the coding strand, the reverse complement: CCNO is on the minus strand); the first of 2 consecutive A bases (chr5:55,233,201-55,233,202); deleting either gives the same sequence. VCF-style (leftmost placement, unchanged base first): chr5-55233200-GA-G. GRCh37 (hg19) VCF-style: chr5-54529028-GA-G.
Other names: short protein forms F108fs.
Identifiers: ClinVar variation 5006904 (VCV005006904.2).

ClinVar aggregate classification (germline): Likely pathogenic (1 of 4 stars; one submission).

Conditions:
Primary ciliary dyskinesia 29. Also called: CILIARY DYSKINESIA, PRIMARY, 29, WITHOUT SITUS INVERSUS. Identifiers: Orphanet 244, MedGen C4014534, MONDO:0014378, OMIM 615872.

Submission:

Juno Genomics, Hangzhou Juno Genomics, Inc
Classification: Likely pathogenic for Primary ciliary dyskinesia 29. Review status: criteria provided, single submitter. Criteria: ACMG Guidelines, 2015. Collection method: clinical testing. Allele origin: germline.
Comment: Null variant in a gene where loss of function (LOF) is a known mechanism of disease.;Absent from controls (or at extremely low frequency if recessive) in Genome Aggregation Database.